The following is an entry in ClinVar:

NM_000063.6(C2):c.1911C>G (p.Ser637Arg)

Gene: C2 (complement C2; plus strand). Cytogenetic location: 6p21.33.
Variant type: single nucleotide variant.
Coding change: c.1911C>G on transcript NM_000063.6 (MANE Select); coding-DNA position 1911, C replaced by G.
Protein change: p.Ser637Arg; replaces serine 637 with arginine.
Molecular consequence: missense variant.
Genome position (GRCh38, 1-based): chr6:31,944,735, C>G. VCF-style: chr6-31944735-C-G. GRCh37 (hg19) VCF-style: chr6-31912512-C-G.
Other names: c.1515C>G, p.Ser505Arg (NM_001145903.3); c.1269C>G, p.Ser423Arg (NM_001178063.3); c.1173C>G, p.Ser391Arg (NM_001282457.2); c.1824C>G, p.Ser608Arg (NM_001282458.2); c.1911C>G (NM_000063.4); short protein forms S391R, S423R, S637R, S505R, S608R.
Identifiers: ClinVar variation 1409676 (VCV001409676.5), dbSNP rs139381609, ClinGen allele CA3727832.

ClinVar aggregate classification (germline): Conflicting classifications of pathogenicity. Review status: criteria provided, conflicting classifications (1 of 4 stars). 2 submissions from 2 submitters: Uncertain significance (1); Likely benign (1). Last evaluated 2023-12-21.

Allele frequency attached by ClinVar (database versions not stated): gnomAD exomes 0.00003; ExAC 0.00004; TOPMed 0.00018; gnomAD 0.00019; 1000 Genomes Project 0.00020; 1000 Genomes Project 30x 0.00031; ESP Exome Variant Server 0.00036.
gnomAD v4.1: 50 of 1,613,088 alleles (0.0031%); highest among the groups gnomAD compares: African/African-American, 0.048%; no homozygotes.

Submissions (2):

Labcorp Genetics (formerly Invitae), Labcorp
Classification: Uncertain significance. Last evaluated: 2023-12-21. Review status: criteria provided, single submitter. Criteria: Invitae Variant Classification Sherloc (09022015). Collection method: clinical testing. Allele origin: germline.
Comment: This sequence change replaces serine, which is neutral and polar, with arginine, which is basic and polar, at codon 637 of the C2 protein (p.Ser637Arg). This variant is present in population databases (rs139381609, gnomAD 0.04%). This variant has not been reported in the literature in individuals affected with C2-related conditions. ClinVar contains an entry for this variant (Variation ID: 1409676). Advanced modeling of protein sequence and biophysical properties (such as structural, functional, and spatial information, amino acid conservation, physicochemical variation, residue mobility, and thermodynamic stability) performed at Invitae indicates that this missense variant is not expected to disrupt C2 protein function with a negative predictive value of 80%. In summary, the available evidence is currently insufficient to determine the role of this variant in disease. Therefore, it has been classified as a Variant of Uncertain Significance.

Ambry Genetics
Classification: Likely benign. Last evaluated: 2023-05-30. Review status: criteria provided, single submitter. Criteria: Ambry Variant Classification Scheme 2023. Collection method: clinical testing. Allele origin: germline.